The following is an entry in ClinVar:

NM_001145809.2(MYH14):c.6011T>C (p.Leu2004Pro)

Gene: MYH14 (myosin heavy chain 14; plus strand). Cytogenetic location: 19q13.33.
Variant type: single nucleotide variant.
Coding change: c.6011T>C on transcript NM_001145809.2 (MANE Select); coding-DNA position 6011, T replaced by C.
Protein change: p.Leu2004Pro; replaces leucine 2004 with proline.
Molecular consequence: missense variant.
Genome position (GRCh38, 1-based): chr19:50,309,690, T>C. VCF-style: chr19-50309690-T-C. GRCh37 (hg19) VCF-style: chr19-50812947-T-C.
Other names: c.5912T>C, p.Leu1971Pro (NM_001077186.2); c.5888T>C, p.Leu1963Pro (NM_024729.4); short protein forms L1963P, L1971P, L2004P.
Identifiers: ClinVar variation 3346358 (VCV003346358.1).

ClinVar aggregate classification (germline): Uncertain significance (0 of 4 stars; one submission).

Conditions:
MYH14-related disorder. Also called: MYH14-related condition.

Submission:

PreventionGenetics, part of Exact Sciences
Classification: Uncertain significance for MYH14-related condition. Last evaluated: 2024-08-26. Review status: no assertion criteria provided. Collection method: clinical testing. Allele origin: germline.
Comment: The MYH14 c.6011T>C variant is predicted to result in the amino acid substitution p.Leu2004Pro. To our knowledge, this variant has not been reported in the literature or in a large population database, indicating this variant is rare. At this time, the clinical significance of this variant is uncertain due to the absence of conclusive functional and genetic evidence.